The following is an entry in ClinVar:

NM_024422.6(DSC2):c.2508+305G>T

Gene: DSC2 (desmocollin 2; minus strand). Cytogenetic location: 18q12.1.
Variant type: single nucleotide variant.
Coding change: c.2508+305G>T on transcript NM_024422.6 (MANE Select); 305 bases into the intron after coding-DNA position 2508, G replaced by T.
Molecular consequence: intron variant.
Genome position (GRCh38, 1-based): chr18:31,068,589, C>A on the plus strand (G>T on the coding strand, the complement: DSC2 is on the minus strand). VCF-style: chr18-31068589-C-A. GRCh37 (hg19) VCF-style: chr18-28648555-C-A.
Other names: c.2509-245G>T (NM_004949.5).
Identifiers: ClinVar variation 679455 (VCV000679455.1), dbSNP rs79607795, ClinGen allele CA297685911.
Genomic context (GRCh38, chr18:31,068,589, plus strand): 5'-GATATGGGCTCAGTTCTTCCCAGATAGACATAGTGATAGTACATGCTGGTCTTGCTGGTA[C>A]CACATTTTTGGTTTCTAAGGTACAAGTTGTCAGATGGGAAATATTAGCACAAAGCCATGA-3'

ClinVar aggregate classification (germline): Likely benign (1 of 4 stars; one submission).

Allele frequency attached by ClinVar (database versions not stated): 1000 Genomes Project 30x 0.00859; 1000 Genomes Project 0.00958; gnomAD 0.00969 and 0.01043; TOPMed 0.01107.
gnomAD v4.1: 1,460 of 152,120 alleles (0.96%); highest among the groups gnomAD compares: African/African-American, 3.3%; 22 homozygotes.

Submission:

GeneDx
Classification: Likely benign. Last evaluated: 2018-06-14. Review status: criteria provided, single submitter. Criteria: GeneDx Variant Classification (06012015). Collection method: clinical testing. Allele origin: germline. Affected: yes.
Comment: This variant is considered likely benign or benign based on one or more of the following criteria: it is a conservative change, it occurs at a poorly conserved position in the protein, it is predicted to be benign by multiple in silico algorithms, and/or has population frequency not consistent with disease.